The following is an entry in ClinVar:

ClinVar aggregate classification (germline): Uncertain significance. Review status: criteria provided, multiple submitters, no conflicts (2 of 4 stars). 2 submissions from 2 submitters: Uncertain significance (2). Last evaluated 2025-12-03.

Allele frequency attached by ClinVar (database versions not stated): TOPMed 0.00001; ExAC 0.00004.
gnomAD v4.1: 26 of 1,613,888 alleles (0.0016%); highest among the groups gnomAD compares: Middle Eastern, 0.049%; no homozygotes.

Submissions (2):

Ambry Genetics
Classification: Uncertain significance. Last evaluated: 2025-12-03. Review status: criteria provided, single submitter. Criteria: Ambry Variant Classification Scheme 2023. Collection method: clinical testing. Allele origin: germline.

Labcorp Genetics (formerly Invitae), Labcorp
Classification: Uncertain significance. Last evaluated: 2023-08-31. Review status: criteria provided, single submitter. Criteria: Invitae Variant Classification Sherloc (09022015). Collection method: clinical testing. Allele origin: germline.
Comment: This variant has not been reported in the literature in individuals affected with SUCO-related conditions. This variant is present in population databases (rs771443282, gnomAD 0.01%). This sequence change replaces leucine, which is neutral and non-polar, with serine, which is neutral and polar, at codon 853 of the SUCO protein (p.Leu853Ser). Algorithms developed to predict the effect of missense changes on protein structure and function output the following: SIFT: "Not Available"; PolyPhen-2: "Benign"; Align-GVGD: "Not Available". The serine amino acid residue is found in multiple mammalian species, which suggests that this missense change does not adversely affect protein function. In summary, the available evidence is currently insufficient to determine the role of this variant in disease. Therefore, it has been classified as a Variant of Uncertain Significance.

NM_014283.5(SUCO):c.2558T>C (p.Leu853Ser)

Gene: SUCO (SUN domain containing ossification factor; plus strand). Cytogenetic location: 1q24.3.
Variant type: single nucleotide variant.
Coding change: c.2558T>C on transcript NM_014283.5 (MANE Select); coding-DNA position 2558, T replaced by C.
Protein change: p.Leu853Ser; replaces leucine 853 with serine.
Molecular consequence: missense variant. On other transcripts: intron variant (1).
Genome position (GRCh38, 1-based): chr1:172,589,659, T>C. VCF-style: chr1-172589659-T-C. GRCh37 (hg19) VCF-style: chr1-172558799-T-C.
Other names: c.869T>C, p.Leu290Ser (NM_001282751.2); c.3011T>C, p.Leu1004Ser (NM_016227.4); c.1712+735T>C (NM_001282750.2); c.2558T>C (NM_014283.3); short protein forms L1004S, L853S, L290S.
Identifiers: ClinVar variation 2712881 (VCV002712881.5), dbSNP rs771443282, ClinGen allele CA1247104.